The following is an entry in ClinVar:

ClinVar aggregate classification (germline): Uncertain significance. Review status: criteria provided, multiple submitters, no conflicts (2 of 4 stars). 2 submissions from 2 submitters: Uncertain significance (2). Last evaluated 2026-04-02.

Allele frequency attached by ClinVar (database versions not stated): gnomAD 0.00001; gnomAD exomes 0.00001; ExAC 0.00002; TOPMed below 0.00001.
gnomAD v4.1: 20 of 1,614,042 alleles (0.0012%); highest among the groups gnomAD compares: Admixed American, 0.0017%; no homozygotes.

Submissions (2):

GeneDx
Classification: Uncertain significance. Last evaluated: 2026-04-02. Review status: criteria provided, single submitter. Criteria: GeneDx Variant Classification Process June 2021. Collection method: clinical testing. Allele origin: germline.
Comment: In silico analysis suggests that this missense variant does not alter protein structure/function; Has not been previously published as pathogenic or benign to our knowledge

Labcorp Genetics (formerly Invitae), Labcorp
Classification: Uncertain significance. Last evaluated: 2022-02-20. Review status: criteria provided, single submitter. Criteria: Invitae Variant Classification Sherloc (09022015). Collection method: clinical testing. Allele origin: germline.
Comment: In summary, the available evidence is currently insufficient to determine the role of this variant in disease. Therefore, it has been classified as a Variant of Uncertain Significance. Algorithms developed to predict the effect of missense changes on protein structure and function are either unavailable or do not agree on the potential impact of this missense change (SIFT: "Deleterious"; PolyPhen-2: "Benign"; Align-GVGD: "Class C15"). This variant has not been reported in the literature in individuals affected with SLC34A1-related conditions. This variant is present in population databases (rs201526364, gnomAD 0.004%). This sequence change replaces glutamic acid, which is acidic and polar, with lysine, which is basic and polar, at codon 272 of the SLC34A1 protein (p.Glu272Lys).

NM_003052.5(SLC34A1):c.814G>A (p.Glu272Lys)

Gene: SLC34A1 (solute carrier family 34 member 1; plus strand). Cytogenetic location: 5q35.3.
Variant type: single nucleotide variant.
Coding change: c.814G>A on transcript NM_003052.5 (MANE Select); coding-DNA position 814, G replaced by A.
Protein change: p.Glu272Lys; replaces glutamic acid 272 with lysine.
Molecular consequence: missense variant.
Genome position (GRCh38, 1-based): chr5:177,388,163, G>A. VCF-style: chr5-177388163-G-A. GRCh37 (hg19) VCF-style: chr5-176815164-G-A.
Other names: c.814G>A, p.Glu272Lys (NM_001167579.2); c.814G>A (NM_003052.4); short protein forms E272K.
Identifiers: ClinVar variation 1915500 (VCV001915500.4), dbSNP rs201526364, ClinGen allele CA3580523.